The following is an entry in ClinVar:

NM_018979.4(WNK1):c.3614G>A (p.Gly1205Glu)

Gene: WNK1 (WNK lysine deficient protein kinase 1; plus strand). Cytogenetic location: 12p13.33.
Variant type: single nucleotide variant.
Coding change: c.3614G>A on transcript NM_018979.4 (MANE Select); coding-DNA position 3614, G replaced by A.
Protein change: p.Gly1205Glu; replaces glycine 1205 with glutamic acid.
Molecular consequence: missense variant.
Genome position (GRCh38, 1-based): chr12:883,519, G>A. VCF-style: chr12-883519-G-A. GRCh37 (hg19) VCF-style: chr12-992685-G-A.
Other names: c.4394G>A, p.Gly1465Glu (NM_001184985.2); c.2873G>A, p.Gly958Glu (NM_014823.3); c.4370G>A, p.Gly1457Glu (NM_213655.5); short protein forms G1457E, G1205E, G1465E, G958E.
Identifiers: ClinVar variation 572368 (VCV000572368.9), dbSNP rs761597327, ClinGen allele CA6382806.
Genomic context (GRCh38, chr12:883,519, plus strand): 5'-TTGAAAAAGCTGATGAAATGCTCAGTGAGGATGTCAGTGTGGAACCAGAGGGTGATCAGG[G>A]ATTGGAGAGTCTACAAGGAAAGGATGACTATGGCTTTTCAGGTTCTCAGGTAGGTTCACC-3'
Protein context (NP_061852.3, residues 1195-1215): DVSVEPEGDQ[Gly1205Glu]LESLQGKDDY

ClinVar aggregate classification (germline): Uncertain significance. Review status: criteria provided, multiple submitters, no conflicts (2 of 4 stars). 2 submissions from 2 submitters: Uncertain significance (2). Last evaluated 2024-02-28.

Conditions:
Neuropathy, hereditary sensory and autonomic, type 2A (HSAN2A). Also called: HSAN IIA; ACROOSTEOLYSIS, GIACCAI TYPE; ACROOSTEOLYSIS, NEUROGENIC; WNK1-Related HSAN2 (HSAN2A); MORVAN DISEASE; NEUROPATHY, CONGENITAL SENSORY. Identifiers: Orphanet 970, MedGen C2752089, MONDO:0024309, OMIM 201300.
Pseudohypoaldosteronism type 2C (PHA2C). Also called: Pseudohypoaldosteronism Type IIC. Identifiers: Orphanet 757, Orphanet 88940, MedGen C1840391, MONDO:0013778, OMIM 614492.

Allele frequency attached by ClinVar (database versions not stated): TOPMed below 0.00001; gnomAD 0.00001; ExAC 0.00004; gnomAD exomes 0.00004.
gnomAD v4.1: 7 of 1,614,074 alleles (0.00043%); highest among the groups gnomAD compares: East Asian, 0.013%; no homozygotes.

Submissions (2):

Fulgent Genetics
Classification: Uncertain significance for Neuropathy, hereditary sensory and autonomic, type 2A; Pseudohypoaldosteronism type 2C. Last evaluated: 2024-02-28. Review status: criteria provided, single submitter. Criteria: ACMG Guidelines, 2015. Collection method: clinical testing. Allele origin: germline.

Labcorp Genetics (formerly Invitae), Labcorp
Classification: Uncertain significance for Neuropathy, hereditary sensory and autonomic, type 2A; Pseudohypoaldosteronism type 2C. Last evaluated: 2022-07-05. Review status: criteria provided, single submitter. Criteria: Invitae Variant Classification Sherloc (09022015). Collection method: clinical testing. Allele origin: germline.
Comment: In summary, the available evidence is currently insufficient to determine the role of this variant in disease. Therefore, it has been classified as a Variant of Uncertain Significance. Advanced modeling of protein sequence and biophysical properties (such as structural, functional, and spatial information, amino acid conservation, physicochemical variation, residue mobility, and thermodynamic stability) performed at Invitae indicates that this missense variant is not expected to disrupt WNK1 protein function. ClinVar contains an entry for this variant (Variation ID: 572368). This variant has not been reported in the literature in individuals affected with WNK1-related conditions. This variant is present in population databases (rs761597327, gnomAD 0.05%). This sequence change replaces glycine, which is neutral and non-polar, with glutamic acid, which is acidic and polar, at codon 1205 of the WNK1 protein (p.Gly1205Glu).